The following is an entry in ClinVar:

NM_007294.4(BRCA1):c.2895C>A (p.Leu965=)

Gene: BRCA1 (BRCA1 DNA repair associated; minus strand). Cytogenetic location: 17q21.31.
Variant type: single nucleotide variant.
Coding change: c.2895C>A on transcript NM_007294.4 (MANE Select); coding-DNA position 2895, C replaced by A.
Protein change: p.Leu965=; no amino-acid change (leucine 965 retained).
Molecular consequence: synonymous variant. On other transcripts: intron variant (137).
Genome position (GRCh38, 1-based): chr17:43,092,636, G>T on the plus strand (C>A on the coding strand, the complement: BRCA1 is on the minus strand). VCF-style: chr17-43092636-G-T. GRCh37 (hg19) VCF-style: chr17-41244653-G-T.
Other names: c.2817C>A, p.Leu939= (NM_001407656.1, NM_001407657.1, NM_001407658.1 and 4 more transcripts); c.2814C>A, p.Leu938= (NM_001407659.1, NM_001407660.1, NM_001407661.1 and 1 more transcripts); c.2772C>A, p.Leu924= (NM_001407664.1, NM_001407665.1, NM_001407666.1 and 19 more transcripts); c.2895C>A, p.Leu965= (NM_001407582.1, NM_001407583.1, NM_001407585.1 and 30 more transcripts); c.2892C>A, p.Leu964= (NM_001407587.1, NM_001407590.1, NM_001407591.1 and 22 more transcripts); c.2682C>A, p.Leu894= (NM_001407571.1, NM_001407853.1, NM_001407894.1 and 9 more transcripts); c.2769C>A, p.Leu923= (NM_001407670.1, NM_001407671.1, NM_001407672.1 and 11 more transcripts); c.2754C>A, p.Leu918= (NM_001407692.1, NM_001407694.1, NM_001407695.1 and 29 more transcripts); and 41 more.
Identifiers: ClinVar variation 981077 (VCV000981077.9), dbSNP rs1555588774, ClinGen allele CA500232559.

ClinVar aggregate classification (germline): Likely benign. Review status: criteria provided, multiple submitters, no conflicts (2 of 4 stars). 3 submissions from 3 submitters: Likely benign (3). Last evaluated 2025-08-20.

Conditions:
Hereditary breast ovarian cancer syndrome. Also called: Hereditary breast and ovarian cancer syndrome; Hereditary breast and/or ovarian cancer syndrome; Hereditary breast and ovarian cancer syndrome (HBOC); Hereditary breast and ovarian cancer; Breast and ovarian cancer; BRCA1- and BRCA2-Associated Hereditary Breast and Ovarian Cancer. Identifiers: Orphanet 145, MedGen C0677776, MeSH D061325, MONDO:0003582. Disease mechanism: loss of function.
Hereditary cancer-predisposing syndrome. Also called: Neoplastic Syndromes, Hereditary; Hereditary Cancer Syndrome; Tumor predisposition; Hereditary neoplastic syndrome. Identifiers: Orphanet 140162, MedGen C0027672, MeSH D009386, MONDO:0015356.

Submissions (3):

Labcorp Genetics (formerly Invitae), Labcorp
Classification: Likely benign for Hereditary breast ovarian cancer syndrome. Last evaluated: 2025-08-20. Review status: criteria provided, single submitter. Criteria: Invitae Variant Classification Sherloc (09022015). Collection method: clinical testing. Allele origin: germline.

Ambry Genetics
Classification: Likely benign for Hereditary cancer-predisposing syndrome. Last evaluated: 2023-03-02. Review status: criteria provided, single submitter. Criteria: Ambry Variant Classification Scheme 2023. Collection method: clinical testing. Allele origin: germline.

Women's Health and Genetics/Laboratory Corporation of America, LabCorp
Classification: Likely benign. Last evaluated: 2020-09-02. Review status: criteria provided, single submitter. Criteria: LabCorp Variant Classification Summary - May 2015. Collection method: clinical testing. Allele origin: germline.
Comment: Variant summary: BRCA1 c.2895C>A results in a synonymous change. 4/4 computational tools predict no significant impact on normal splicing. However, these predictions have yet to be confirmed by functional studies. The variant was absent in 251362 control chromosomes. The available data on variant occurrences in the general population are insufficient to allow any conclusion about variant significance. To our knowledge, no occurrence of c.2895C>A in individuals affected with Hereditary Breast And Ovarian Cancer Syndrome and no experimental evidence demonstrating its impact on protein function have been reported. No clinical diagnostic laboratories have submitted clinical-significance assessments for this variant to ClinVar after 2014. Based on the evidence outlined above, the variant was classified as likely benign.